The following is an entry in ClinVar:

NM_002109.6(HARS1):c.31G>A (p.Val11Met)

Genes: HARS1 (histidyl-tRNA synthetase 1; minus strand), LOC129994848 (ATAC-STARR-seq lymphoblastoid active region 23285; plus strand). Cytogenetic location: 5q31.3.
Variant type: single nucleotide variant.
Coding change: c.31G>A on transcript NM_002109.6 (MANE Select); coding-DNA position 31, G replaced by A.
Protein change: p.Val11Met; replaces valine 11 with methionine.
Molecular consequence: missense variant. On other transcripts: intron variant (1).
Genome position (GRCh38, 1-based): chr5:140,691,274, C>T on the plus strand (G>A on the coding strand, the complement: HARS1 is on the minus strand). VCF-style: chr5-140691274-C-T. GRCh37 (hg19) VCF-style: chr5-140070859-C-T.
Other names: c.31G>A, p.Val11Met (NM_001258040.3, NM_001258041.3, NM_001258042.3 and 2 more transcripts); c.3+28G>A (NM_001289094.2); short protein forms V11M.
Identifiers: ClinVar variation 4771026 (VCV004771026.1).
Genomic context (GRCh38, chr5:140,691,274, plus strand): 5'-CCAGCTCGGCGCTGGCCTTCTGCTGCTTGAGGCCTCGCACGCGCTCTCCCTGAAGTTTCA[C>T]CAGCTCCTCCAGCGCCGCACGCTCTGCCATCCCGGCTGTCCACTTGAGCCGCCTGCTGTC-3'
Protein context (NP_002100.2, residues 1-21): MAERAALEEL[Val11Met]KLQGERVRGL

ClinVar aggregate classification (germline): Uncertain significance (1 of 4 stars; one submission).

Conditions:
Usher syndrome type 3B. Also called: USHER SYNDROME, TYPE IIIB. Identifiers: MedGen C3281066, MONDO:0013788, OMIM 614504.

Submission:

Labcorp Genetics (formerly Invitae), Labcorp
Classification: Uncertain significance for Usher syndrome type 3B. Last evaluated: 2025-04-23. Review status: criteria provided, single submitter. Criteria: Invitae Variant Classification Sherloc (09022015). Collection method: clinical testing. Allele origin: germline.
Comment: This sequence change replaces valine, which is neutral and non-polar, with methionine, which is neutral and non-polar, at codon 11 of the HARS protein (p.Val11Met). This variant is not present in population databases (gnomAD no frequency). This variant has not been reported in the literature in individuals affected with HARS-related conditions. An algorithm developed to predict the effect of missense changes on protein structure and function (PolyPhen-2) suggests that this variant is likely to be tolerated. In summary, the available evidence is currently insufficient to determine the role of this variant in disease. Therefore, it has been classified as a Variant of Uncertain Significance.